The following is an entry in ClinVar:

NM_000744.7(CHRNA4):c.516G>C (p.Gln172His)

Gene: CHRNA4 (cholinergic receptor nicotinic alpha 4 subunit; minus strand). Cytogenetic location: 20q13.33.
Variant type: single nucleotide variant.
Coding change: c.516G>C on transcript NM_000744.7 (MANE Select); coding-DNA position 516, G replaced by C.
Protein change: p.Gln172His; replaces glutamine 172 with histidine.
Molecular consequence: missense variant. On other transcripts: 5 prime UTR variant (1), non-coding transcript variant (1).
Genome position (GRCh38, 1-based): chr20:63,350,895, C>G on the plus strand (G>C on the coding strand, the complement: CHRNA4 is on the minus strand). VCF-style: chr20-63350895-C-G. GRCh37 (hg19) VCF-style: chr20-61982247-C-G.
Other names: c.-13G>C (NM_001256573.2); short protein forms Q172H.
Identifiers: ClinVar variation 1745793 (VCV001745793.2), dbSNP rs141909279, ClinGen allele CA409638203.

ClinVar aggregate classification (germline): Uncertain significance (1 of 4 stars; one submission).

Conditions:
Inborn genetic diseases. Identifiers: MedGen C0950123, MeSH D030342.

Allele frequency attached by ClinVar (database versions not stated): gnomAD exomes below 0.00001.
gnomAD v4.1: 1 of 1,614,038 alleles (0.000062%); highest among the groups gnomAD compares: Non-Finnish European, 0.000085%; no homozygotes.

Submission:

Ambry Genetics
Classification: Uncertain significance for Inborn genetic diseases. Last evaluated: 2019-11-13. Review status: criteria provided, single submitter. Criteria: Ambry Variant Classification Scheme 2023. Collection method: clinical testing. Allele origin: germline.
Comment: The p.Q172H variant (also known as c.516G>C), located in coding exon 5 of the CHRNA4 gene, results from a G to C substitution at nucleotide position 516. The glutamine at codon 172 is replaced by histidine, an amino acid with highly similar properties. This amino acid position is highly conserved in available vertebrate species. In addition, the in silico prediction for this alteration is inconclusive. Since supporting evidence is limited at this time, the clinical significance of this alteration remains unclear.